The following is an entry in ClinVar:

NM_006941.4(SOX10):c.1089_1092del (p.Gln364fs)

Genes: POLR2F (RNA polymerase II, I and III subunit F; plus strand), SOX10 (SRY-box transcription factor 10; minus strand). Cytogenetic location: 22q13.1.
Variant type: Deletion.
Coding change: c.1089_1092del on transcript NM_006941.4 (MANE Select); coding-DNA positions 1089 to 1092, 4 bases deleted (CCAG; older notation c.1089_1092delCCAG).
Protein change: p.Gln364fs; shifts the reading frame from glutamine 364.
Molecular consequence: frameshift variant. On other transcripts: intron variant (3).
Genome position (GRCh38, 1-based): chr22:37,973,804-37,973,807, CTGG deleted on the plus strand (CCAG on the coding strand, the reverse complement: SOX10 is on the minus strand). VCF-style (leftmost placement, unchanged base first): chr22-37973803-CCTGG-C. GRCh37 (hg19) VCF-style: chr22-38369810-CCTGG-C.
Other names: c.*38+1494_*38+1497del (NM_001363825.1); c.293+6634_293+6637del (NM_001301130.2, NM_001301131.2); short protein forms Q364fs.
Identifiers: ClinVar variation 3601800 (VCV003601800.1).
Genomic context (GRCh38, chr22:37,973,803, plus strand): 5'-GGCTGAGGGAGGTGTAGGCGATCTGTGAGGTGGATGGCTGGTCGGTGTAGTGTGGGGGCC[CCTGG>C]GGCCCCGCGGTCTCTGTCTTCACCTGGGCTTTGGCATCCACACCAGGTGGTGAGACCGTG-3'

ClinVar aggregate classification (germline): Likely pathogenic (1 of 4 stars; one submission).

Conditions:
Waardenburg syndrome type 4C (WS4C). Also called: WAARDENBURG SYNDROME WITH HIRSCHSPRUNG DISEASE, TYPE 4C. Identifiers: Orphanet 897, MedGen C2750452, MONDO:0013202, OMIM 613266.

Submission:

Institute of Rare Diseases, West China Hospital, Sichuan University
Classification: Likely pathogenic for Waardenburg syndrome type 4C. Last evaluated: 2025-01-09. Review status: criteria provided, single submitter. Criteria: ClinGen HL ACMG Specifications v1. Collection method: research. Allele origin: germline. Affected: yes.
Comment: PVS1;PM2_Supporting